The following is an entry in ClinVar:

NM_001270.4(CHD1):c.3060+5A>T

Gene: CHD1 (chromodomain helicase DNA binding protein 1; minus strand). Cytogenetic location: 5q15.
Variant type: single nucleotide variant.
Coding change: c.3060+5A>T on transcript NM_001270.4 (MANE Select); 5 bases into the intron after coding-DNA position 3060, A replaced by T.
Molecular consequence: intron variant.
Genome position (GRCh38, 1-based): chr5:98,881,071, T>A on the plus strand (A>T on the coding strand, the complement: CHD1 is on the minus strand). VCF-style: chr5-98881071-T-A. GRCh37 (hg19) VCF-style: chr5-98216775-T-A.
Other names: c.3060+5A>T (NM_001376194.2, NM_001364113.3).
Identifiers: ClinVar variation 3902643 (VCV003902643.1).

ClinVar aggregate classification (germline): Uncertain significance (1 of 4 stars; one submission).

gnomAD v4.1: 4 of 1,588,386 alleles (0.00025%); highest among the groups gnomAD compares: Admixed American, 0.0068%; no homozygotes.

Submission:

Women's Health and Genetics/Laboratory Corporation of America, LabCorp
Classification: Uncertain significance. Last evaluated: 2025-05-28. Review status: criteria provided, single submitter. Criteria: LabCorp Variant Classification Summary - May 2015. Collection method: clinical testing. Allele origin: germline.
Comment: Variant summary: CHD1 c.3060+5A>T alters a nucleotide located close to a canonical splice site and therefore could affect mRNA splicing, leading to a significantly altered protein sequence. Several computational tools predict a significant impact on normal splicing: Two predict the variant weakens the canonical 5' donor site whereas one predicts the variant has no significant impact on splicing. However, these predictions have yet to be confirmed by functional studies. The variant allele was found at a frequency of 1.2e-05 in 243662 control chromosomes. The available data on variant occurrences in the general population are insufficient to allow any conclusion about variant significance. To our knowledge, no occurrence of c.3060+5A>T in individuals affected with Pilarowski-Bjornsson Syndrome and no experimental evidence demonstrating its impact on protein function have been reported. No submitters have cited clinical-significance assessments for this variant to ClinVar. Based on the evidence outlined above, the variant was classified as uncertain significance.